The following is an entry in ClinVar:

NM_020433.5(JPH2):c.720T>C (p.Gly240=)

Gene: JPH2 (junctophilin 2; minus strand). Cytogenetic location: 20q13.12.
Variant type: single nucleotide variant.
Coding change: c.720T>C on transcript NM_020433.5 (MANE Select); coding-DNA position 720, T replaced by C.
Protein change: p.Gly240=; no amino-acid change (glycine 240 retained).
Molecular consequence: synonymous variant.
Genome position (GRCh38, 1-based): chr20:44,160,067, A>G on the plus strand (T>C on the coding strand, the complement: JPH2 is on the minus strand). VCF-style: chr20-44160067-A-G. GRCh37 (hg19) VCF-style: chr20-42788707-A-G.
Identifiers: ClinVar variation 1757725 (VCV001757725.3), dbSNP rs1337351911, ClinGen allele CA510739279.

ClinVar aggregate classification (germline): Likely benign. Review status: criteria provided, multiple submitters, no conflicts (2 of 4 stars). 2 submissions from 2 submitters: Likely benign (2). Last evaluated 2026-09-25.

Conditions:
JPH2-related disorder. Also called: JPH2-related condition.
Cardiovascular phenotype. Identifiers: MedGen CN230736.

Allele frequency attached by ClinVar (database versions not stated): gnomAD 0.00001; gnomAD exomes 0.00001.
gnomAD v4.1: 13 of 1,538,726 alleles (0.00084%); highest among the groups gnomAD compares: Non-Finnish European, 0.00096%; no homozygotes.

Submissions (2):

PreventionGenetics, part of Exact Sciences
Classification: Likely benign for JPH2-related condition. Last evaluated: 2026-09-25. Review status: criteria provided, single submitter. Criteria: ACMG Guidelines, 2015. Collection method: clinical testing. Allele origin: germline.
Comment: This variant is classified as likely benign based on ACMG/AMP sequence variant interpretation guidelines (Richards et al. 2015 PMID: 25741868, with internal and published modifications).

Ambry Genetics
Classification: Likely benign for Cardiovascular phenotype. Last evaluated: 2022-06-27. Review status: criteria provided, single submitter. Criteria: Ambry Variant Classification Scheme 2023. Collection method: clinical testing. Allele origin: germline.